The following is an entry in ClinVar:

ClinVar aggregate classification (germline): Likely benign. Review status: criteria provided, single submitter (1 of 4 stars). 2 submissions from 2 submitters: Likely benign (1). 1 of the submissions does not count toward it. Last evaluated 2024-09-21.

Conditions:
TJP2-related disorder. Also called: TJP2-related condition.

Allele frequency attached by ClinVar (database versions not stated): gnomAD 0.00011 and 0.00012; ESP Exome Variant Server 0.00015; 1000 Genomes Project 0.00020; 1000 Genomes Project 30x 0.00031; gnomAD exomes 0.00008 and 0.00010; TOPMed 0.00010; ExAC 0.00011.
gnomAD v4.1: 155 of 1,611,796 alleles (0.0096%); highest among the groups gnomAD compares: African/African-American, 0.023%; no homozygotes.

Submissions (2):

Labcorp Genetics (formerly Invitae), Labcorp
Classification: Likely benign. Last evaluated: 2024-09-21. Review status: criteria provided, single submitter. Criteria: Invitae Variant Classification Sherloc (09022015). Collection method: clinical testing. Allele origin: germline.

PreventionGenetics, part of Exact Sciences
Classification: Likely benign for TJP2-related condition. Last evaluated: 2020-07-29. Review status: no assertion criteria provided. Collection method: clinical testing. Allele origin: germline. Not counted in ClinVar's aggregate classification.
Comment: This variant is classified as likely benign based on ACMG/AMP sequence variant interpretation guidelines (Richards et al. 2015 PMID: 25741868, with internal and published modifications).

NM_004817.4(TJP2):c.2937C>T (p.Ser979=)

Gene: TJP2 (tight junction protein 2; plus strand). Cytogenetic location: 9q21.11.
Variant type: single nucleotide variant.
Coding change: c.2937C>T on transcript NM_004817.4 (MANE Select); coding-DNA position 2937, C replaced by T.
Protein change: p.Ser979=; no amino-acid change (serine 979 retained).
Molecular consequence: synonymous variant. On other transcripts: intron variant (6).
Genome position (GRCh38, 1-based): chr9:69,249,431, C>T. VCF-style: chr9-69249431-C-T. GRCh37 (hg19) VCF-style: chr9-71864347-C-T.
Other names: c.2937C>T, p.Ser979= (LRG_1201t1); c.3030C>T, p.Ser1010= (NM_001170416.2); c.2862C>T, p.Ser954= (NM_001369870.1); c.2868C>T, p.Ser956= (NM_001369871.1); c.2949C>T, p.Ser983= (NM_001369875.1); c.2811+1207C>T (NM_001170414.2); c.2880+1207C>T (NM_201629.3, NM_001369872.1); c.2668-1604C>T (NM_001369873.1); and 1 more.
Identifiers: ClinVar variation 367232 (VCV000367232.9), dbSNP rs138333815, ClinGen allele CA5073826.
Genomic context (GRCh38, chr9:69,249,431, plus strand): 5'-GTAGAGCATAAGGAAACCCAGCCCAGAGCCACGAGCTCAGATGAGGAGGGCTGCTAGCAG[C>T]GATCAACTTAGGGACAATAGCCCGCCCCCAGCATTCAAGCCAGAGCCGCCCAAGGTACGT-3'
Protein context (NP_004808.2, residues 969-989): PRAQMRRAAS[Ser979=]DQLRDNSPPP